The following is an entry in ClinVar:

NM_000368.5(TSC1):c.935A>G (p.Tyr312Cys)

Gene: TSC1 (TSC complex subunit 1; minus strand). Cytogenetic location: 9q34.13.
Variant type: single nucleotide variant.
Coding change: c.935A>G on transcript NM_000368.5 (MANE Select); coding-DNA position 935, A replaced by G.
Protein change: p.Tyr312Cys; replaces tyrosine 312 with cysteine.
Molecular consequence: missense variant.
Genome position (GRCh38, 1-based): chr9:132,911,547, T>C on the plus strand (A>G on the coding strand, the complement: TSC1 is on the minus strand). VCF-style: chr9-132911547-T-C. GRCh37 (hg19) VCF-style: chr9-135786934-T-C.
Other names: c.935A>G, p.Tyr312Cys (NM_001162426.2); c.782A>G, p.Tyr261Cys (NM_001162427.2); c.572A>G, p.Tyr191Cys (NM_001362177.2); short protein forms Y191C, Y261C, Y312C.
Identifiers: ClinVar variation 1020867 (VCV001020867.8), dbSNP rs1588324803, ClinGen allele CA375368721.

ClinVar aggregate classification (germline): Uncertain significance (1 of 4 stars; one submission).

Conditions:
Tuberous sclerosis 1 (TSC1). Identifiers: Orphanet 805, MedGen C1854465, MONDO:0008612, OMIM 191100.

Submission:

Labcorp Genetics (formerly Invitae), Labcorp
Classification: Uncertain significance for Tuberous sclerosis 1. Last evaluated: 2020-04-18. Review status: criteria provided, single submitter. Criteria: Invitae Variant Classification Sherloc (09022015). Collection method: clinical testing. Allele origin: germline.
Comment: This sequence change replaces tyrosine with cysteine at codon 312 of the TSC1 protein (p.Tyr312Cys). The tyrosine residue is weakly conserved and there is a large physicochemical difference between tyrosine and cysteine. This variant is not present in population databases (ExAC no frequency). This variant has not been reported in the literature in individuals with TSC1-related conditions. Algorithms developed to predict the effect of missense changes on protein structure and function output the following: SIFT: "Tolerated"; PolyPhen-2: "Benign"; Align-GVGD: "Class C0". The cysteine amino acid residue is found in multiple mammalian species, suggesting that this missense change does not adversely affect protein function. These predictions have not been confirmed by published functional studies and their clinical significance is uncertain. In summary, the available evidence is currently insufficient to determine the role of this variant in disease. Therefore, it has been classified as a Variant of Uncertain Significance.